The following is an entry in ClinVar:

NM_005654.6(NR2F1):c.365G>C (p.Cys122Ser)

Genes: NR2F1 (nuclear receptor subfamily 2 group F member 1; plus strand), NR2F1-AS1 (NR2F1 antisense RNA 1; minus strand). Cytogenetic location: 5q15.
Variant type: single nucleotide variant.
Coding change: c.365G>C on transcript NM_005654.6 (MANE Select); coding-DNA position 365, G replaced by C.
Protein change: p.Cys122Ser; replaces cysteine 122 with serine.
Molecular consequence: missense variant.
Genome position (GRCh38, 1-based): chr5:93,585,388, G>C. VCF-style: chr5-93585388-G-C. GRCh37 (hg19) VCF-style: chr5-92921094-G-C.
Other names: short protein forms C122S.
Identifiers: ClinVar variation 385748 (VCV000385748.2), dbSNP rs1057522318, ClinGen allele CA16604998.
Genomic context (GRCh38, chr5:93,585,388, plus strand): 5'-CCTGCGAGGGCTGCAAAAGTTTCTTCAAGAGGAGCGTCCGCAGGAACTTAACTTACACAT[G>C]CCGTGCCAACAGGAACTGTCCCATCGACCAGCACCACCGCAACCAGTGCCAATACTGCCG-3'
Protein context (NP_005645.1, residues 112-132): RSVRRNLTYT[Cys122Ser]RANRNCPIDQ

ClinVar aggregate classification (germline): Likely pathogenic (1 of 4 stars; one submission).

Submission:

GeneDx
Classification: Likely pathogenic. Last evaluated: 2016-09-27. Review status: criteria provided, single submitter. Criteria: GeneDx Variant Classification (06012015). Collection method: clinical testing. Allele origin: germline. Affected: yes.
Comment: The C122S variant in the NR2F1 gene has not been published as a pathogenic variant, nor has it been reported as a benign variant to our knowledge. It was not observed in approximately 6,500 individuals of European and African American ancestry in the NHLBI Exome Sequencing Project, indicating it is not a common benign variant in these populations. The C122S variant is a non-conservative amino acid substitution, which is likely to impact secondary protein structure as these residues differ in polarity, charge, size and/or other properties. This substitution occurs at a position that is conserved across species and in silico analysis predicts this variant is probably damaging to the protein structure/function. However, missense variants in nearby residues have not been reported in the Human Gene Mutation Database in association with NR2F1-related disorder (Stenson et al., 2014). Therefore, this variant is likely pathogenic; however, the possibility that it is benign cannot be excluded.